The following is an entry in ClinVar:

NM_006767.4(LZTR1):c.224C>G (p.Ala75Gly)

Gene: LZTR1 (leucine zipper like post translational regulator 1; plus strand). Cytogenetic location: 22q11.21.
Variant type: single nucleotide variant.
Coding change: c.224C>G on transcript NM_006767.4 (MANE Select); coding-DNA position 224, C replaced by G.
Protein change: p.Ala75Gly; replaces alanine 75 with glycine.
Molecular consequence: missense variant.
Genome position (GRCh38, 1-based): chr22:20,983,050, C>G. VCF-style: chr22-20983050-C-G. GRCh37 (hg19) VCF-style: chr22-21337339-C-G.
Other names: short protein forms A75G.
Identifiers: ClinVar variation 3541509 (VCV003541509.1).

ClinVar aggregate classification (germline): Uncertain significance (1 of 4 stars; one submission).

Conditions:
Hereditary cancer-predisposing syndrome. Also called: Hereditary Cancer Syndrome; Hereditary neoplastic syndrome; Tumor predisposition; Neoplastic Syndromes, Hereditary. Identifiers: Orphanet 140162, MedGen C0027672, MeSH D009386, MONDO:0015356.
Cardiovascular phenotype. Identifiers: MedGen CN230736.

Submission:

Ambry Genetics
Classification: Uncertain significance for Cardiovascular phenotype; Hereditary cancer-predisposing syndrome. Last evaluated: 2024-07-27. Review status: criteria provided, single submitter. Criteria: Ambry Variant Classification Scheme 2023. Collection method: clinical testing. Allele origin: germline.
Comment: The p.A75G variant (also known as c.224C>G), located in coding exon 2 of the LZTR1 gene, results from a C to G substitution at nucleotide position 224. The alanine at codon 75 is replaced by glycine, an amino acid with similar properties. This amino acid position is conserved. In addition, the in silico prediction for this alteration is inconclusive. Based on the available evidence, the clinical significance of this variant remains unclear.